The following is an entry in ClinVar:

NM_001134407.3(GRIN2A):c.1777+17G>A

Gene: GRIN2A (glutamate ionotropic receptor NMDA type subunit 2A; minus strand). Cytogenetic location: 16p13.2.
Variant type: single nucleotide variant.
Coding change: c.1777+17G>A on transcript NM_001134407.3 (MANE Select); 17 bases into the intron after coding-DNA position 1777, G replaced by A.
Molecular consequence: intron variant.
Genome position (GRCh38, 1-based): chr16:9,834,088, C>T on the plus strand (G>A on the coding strand, the complement: GRIN2A is on the minus strand). VCF-style: chr16-9834088-C-T. GRCh37 (hg19) VCF-style: chr16-9927945-C-T.
Other names: c.1777+17G>A (NM_001134408.2, NM_000833.5).
Identifiers: ClinVar variation 137512 (VCV000137512.9), dbSNP rs375869375, ClinGen allele CA291123.

ClinVar aggregate classification (germline): Benign. Review status: criteria provided, multiple submitters, no conflicts (2 of 4 stars). 2 submissions from 2 submitters: Benign (2). Last evaluated 2025-12-19.

Conditions:
Landau-Kleffner syndrome (FESD). Also called: APHASIA, ACQUIRED, WITH EPILEPSY; EPILEPSY, FOCAL, WITH SPEECH DISORDER AND WITH OR WITHOUT MENTAL RETARDATION. Identifiers: Orphanet 1945, Orphanet 725, Orphanet 98818, MedGen C0282512, MONDO:0009509, OMIM 245570.

Allele frequency attached by ClinVar (database versions not stated): gnomAD exomes 0.00012 and 0.00029; ExAC 0.00036; 1000 Genomes Project 0.00060; 1000 Genomes Project 30x 0.00062; ESP Exome Variant Server 0.00108; gnomAD 0.00121 and 0.00134; TOPMed 0.00128.
gnomAD v4.1: 346 of 1,611,078 alleles (0.021%); highest among the groups gnomAD compares: African/African-American, 0.45%; 3 homozygotes.

Submissions (2):

Labcorp Genetics (formerly Invitae), Labcorp
Classification: Benign for Landau-Kleffner syndrome. Last evaluated: 2025-12-19. Review status: criteria provided, single submitter. Criteria: Invitae Variant Classification Sherloc (09022015). Collection method: clinical testing. Allele origin: germline.

GeneDx
Classification: Benign. Last evaluated: 2014-01-22. Review status: criteria provided, single submitter. Criteria: GeneDx Variant Classification (06012015). Collection method: clinical testing. Allele origin: germline. Affected: yes.
Comment: This variant is considered likely benign or benign based on one or more of the following criteria: it is a conservative change, it occurs at a poorly conserved position in the protein, it is predicted to be benign by multiple in silico algorithms, and/or has population frequency not consistent with disease.